The following is an entry in ClinVar:

NM_004530.6(MMP2):c.481C>T (p.Arg161Ter)

Gene: MMP2 (matrix metallopeptidase 2; plus strand). Cytogenetic location: 16q12.2.
Variant type: single nucleotide variant.
Coding change: c.481C>T on transcript NM_004530.6 (MANE Select); coding-DNA position 481, C replaced by T.
Protein change: p.Arg161Ter; replaces arginine 161 with a stop codon.
Molecular consequence: nonsense.
Genome position (GRCh38, 1-based): chr16:55,484,116, C>T. VCF-style: chr16-55484116-C-T. GRCh37 (hg19) VCF-style: chr16-55518028-C-T.
Other names: c.331C>T, p.Arg111Ter (NM_001127891.3); c.253C>T, p.Arg85Ter (NM_001302508.1, NM_001302509.2, NM_001302510.2); short protein forms R111*, R161*, R85*.
Identifiers: ClinVar variation 3615226 (VCV003615226.2).

ClinVar aggregate classification (germline): Pathogenic (1 of 4 stars; one submission).

gnomAD v4.1: 4 of 1,614,146 alleles (0.00025%); highest among the groups gnomAD compares: Non-Finnish European, 0.00017%; no homozygotes.

Submission:

Labcorp Genetics (formerly Invitae), Labcorp
Classification: Pathogenic. Last evaluated: 2024-05-23. Review status: criteria provided, single submitter. Criteria: Invitae Variant Classification Sherloc (09022015). Collection method: clinical testing. Allele origin: germline.
Comment: This sequence change creates a premature translational stop signal (p.Arg161*) in the MMP2 gene. It is expected to result in an absent or disrupted protein product. Loss-of-function variants in MMP2 are known to be pathogenic (PMID: 26601801). This variant is not present in population databases (gnomAD no frequency). This variant has not been reported in the literature in individuals affected with MMP2-related conditions. For these reasons, this variant has been classified as Pathogenic.

Literature cited by the submitters: PubMed 26601801.